The following is an entry in ClinVar:

Conditions:
Long QT syndrome 5 (LQT5). Identifiers: Orphanet 101016, Orphanet 768, MedGen C1867904, MONDO:0013372, OMIM 613695.

Submission:

Roden Lab, Vanderbilt University Medical Center
No classification provided (evidence only). Condition: Long QT syndrome 5. Review status: no classification provided. Collection method: in vitro. Allele origin: not applicable. Functional consequence: Effect on ion channel function.
ClinVar note: "not provided" was previously submitted as the classification for the variant. However, the classification appeared to be based only on an observation of functional data so it was converted to no classification on 2025-07-30.

NM_000219.6(KCNE1):c.341C>G (p.Ala114Gly)

Gene: KCNE1 (potassium voltage-gated channel subfamily E regulatory subunit 1; minus strand). Cytogenetic location: 21q22.12.
Variant type: single nucleotide variant.
Coding change: c.341C>G on transcript NM_000219.6 (MANE Select); coding-DNA position 341, C replaced by G.
Protein change: p.Ala114Gly; replaces alanine 114 with glycine.
Molecular consequence: missense variant.
Genome position (GRCh38, 1-based): chr21:34,449,294, G>C on the plus strand (C>G on the coding strand, the complement: KCNE1 is on the minus strand). VCF-style: chr21-34449294-G-C. GRCh37 (hg19) VCF-style: chr21-35821592-G-C.
Other names: c.341C>G, p.Ala114Gly (NM_001127668.4, NM_001127669.4, NM_001127670.4 and 4 more transcripts); short protein forms A114G.
Identifiers: ClinVar variation 3374687 (VCV003374687.2).